The following is an entry in ClinVar:

NM_001364905.1(LRBA):c.7462A>T (p.Met2488Leu)

Gene: LRBA (LPS responsive beige-like anchor protein; minus strand). Cytogenetic location: 4q31.3.
Variant type: single nucleotide variant.
Coding change: c.7462A>T on transcript NM_001364905.1 (MANE Select); coding-DNA position 7462, A replaced by T.
Protein change: p.Met2488Leu; replaces methionine 2488 with leucine.
Molecular consequence: missense variant.
Genome position (GRCh38, 1-based): chr4:150,321,359, T>A on the plus strand (A>T on the coding strand, the complement: LRBA is on the minus strand). VCF-style: chr4-150321359-T-A. GRCh37 (hg19) VCF-style: chr4-151242511-T-A.
Other names: c.7462A>T, p.Met2488Leu (NM_001199282.3); c.7477A>T, p.Met2493Leu (NM_001367550.1); c.7495A>T, p.Met2499Leu (NM_006726.5); short protein forms M2499L, M2488L, M2493L.
Identifiers: ClinVar variation 1391412 (VCV001391412.6), dbSNP rs1234709256, ClinGen allele CA358600947.

ClinVar aggregate classification (germline): Uncertain significance (1 of 4 stars; one submission).

Conditions:
Combined immunodeficiency due to LRBA deficiency. Also called: Common variable immunodeficiency 8, with autoimmunity. Identifiers: Orphanet 445018, MedGen C3553512, MONDO:0013863, OMIM 614700.

Allele frequency attached by ClinVar (database versions not stated): gnomAD 0.00001; TOPMed 0.00001.

Submission:

Labcorp Genetics (formerly Invitae), Labcorp
Classification: Uncertain significance for Combined immunodeficiency due to LRBA deficiency. Last evaluated: 2021-08-26. Review status: criteria provided, single submitter. Criteria: Invitae Variant Classification Sherloc (09022015). Collection method: clinical testing. Allele origin: germline.
Comment: In summary, the available evidence is currently insufficient to determine the role of this variant in disease. Therefore, it has been classified as a Variant of Uncertain Significance. Algorithms developed to predict the effect of missense changes on protein structure and function are either unavailable or do not agree on the potential impact of this missense change (SIFT: "Deleterious"; PolyPhen-2: "Possibly Damaging"; Align-GVGD: "Class C0"). This variant has not been reported in the literature in individuals affected with LRBA-related conditions. This variant is not present in population databases (ExAC no frequency). This sequence change replaces methionine with leucine at codon 2499 of the LRBA protein (p.Met2499Leu). The methionine residue is moderately conserved and there is a small physicochemical difference between methionine and leucine.